The following is an entry in ClinVar:

ClinVar aggregate classification (germline): Conflicting classifications of pathogenicity. Review status: criteria provided, conflicting classifications (1 of 4 stars). 3 submissions from 3 submitters: Uncertain significance (1); Likely benign (1). 1 of the submissions does not count toward it. Last evaluated 2025-03-30.

Conditions:
OSTM1-related disorder. Also called: OSTM1-related condition.
Autosomal recessive osteopetrosis 5. Identifiers: Orphanet 85179, MedGen C1968603, MONDO:0009817, OMIM 259720.

Allele frequency attached by ClinVar (database versions not stated): TOPMed 0.00002; gnomAD 0.00003 and 0.00004; gnomAD exomes 0.00005.
gnomAD v4.1: 76 of 1,565,532 alleles (0.0049%); highest among the groups gnomAD compares: Non-Finnish European, 0.0064%; no homozygotes.

Submissions (3):

Labcorp Genetics (formerly Invitae), Labcorp
Classification: Likely benign. Last evaluated: 2025-03-30. Review status: criteria provided, single submitter. Criteria: Invitae Variant Classification Sherloc (09022015). Collection method: clinical testing. Allele origin: germline.

Illumina Laboratory Services, Illumina
Classification: Uncertain significance for Autosomal recessive osteopetrosis 5. Last evaluated: 2018-01-13. Review status: criteria provided, single submitter. Criteria: ICSL Variant Classification Criteria 13 December 2019. Collection method: clinical testing. Allele origin: germline.

PreventionGenetics, part of Exact Sciences
Classification: Likely benign for OSTM1-related condition. Last evaluated: 2019-05-28. Review status: no assertion criteria provided. Collection method: clinical testing. Allele origin: germline. Not counted in ClinVar's aggregate classification.
Comment: This variant is classified as likely benign based on ACMG/AMP sequence variant interpretation guidelines (Richards et al. 2015 PMID: 25741868, with internal and published modifications).

NM_014028.4(OSTM1):c.67C>T (p.Leu23=)

Genes: OSTM1 (osteoclastogenesis associated transmembrane protein 1; minus strand), LOC129996933 (ATAC-STARR-seq lymphoblastoid silent region 17446; plus strand). Cytogenetic location: 6q21.
Variant type: single nucleotide variant.
Coding change: c.67C>T on transcript NM_014028.4 (MANE Select); coding-DNA position 67, C replaced by T.
Protein change: p.Leu23=; no amino-acid change (leucine 23 retained).
Molecular consequence: synonymous variant.
Genome position (GRCh38, 1-based): chr6:108,074,585, G>A on the plus strand (C>T on the coding strand, the complement: OSTM1 is on the minus strand). VCF-style: chr6-108074585-G-A. GRCh37 (hg19) VCF-style: chr6-108395789-G-A.
Identifiers: ClinVar variation 354991 (VCV000354991.15), dbSNP rs886060973, ClinGen allele CA10622742.